The following is an entry in ClinVar:

NM_019892.6(INPP5E):c.1549+8C>T

Gene: INPP5E (inositol polyphosphate-5-phosphatase E; minus strand). Cytogenetic location: 9q34.3.
Variant type: single nucleotide variant.
Coding change: c.1549+8C>T on transcript NM_019892.6 (MANE Select); 8 bases into the intron after coding-DNA position 1549, C replaced by T.
Molecular consequence: intron variant.
Genome position (GRCh38, 1-based): chr9:136,431,816, G>A on the plus strand (C>T on the coding strand, the complement: INPP5E is on the minus strand). VCF-style: chr9-136431816-G-A. GRCh37 (hg19) VCF-style: chr9-139326268-G-A.
Other names: c.1546+8C>T (NM_001318502.2).
Identifiers: ClinVar variation 3346215 (VCV003346215.1).

ClinVar aggregate classification (germline): Likely benign (0 of 4 stars; one submission).

Conditions:
INPP5E-related disorder. Also called: INPP5E-related condition.

Submission:

PreventionGenetics, part of Exact Sciences
Classification: Likely benign for INPP5E-related condition. Last evaluated: 2024-06-25. Review status: no assertion criteria provided. Collection method: clinical testing. Allele origin: germline.
Comment: This variant is classified as likely benign based on ACMG/AMP sequence variant interpretation guidelines (Richards et al. 2015 PMID: 25741868, with internal and published modifications).